The following is an entry in ClinVar:

NM_016222.4(DDX41):c.1286A>G (p.Gln429Arg)

Gene: DDX41 (DEAD-box helicase 41; minus strand). Cytogenetic location: 5q35.3.
Variant type: single nucleotide variant.
Coding change: c.1286A>G on transcript NM_016222.4 (MANE Select); coding-DNA position 1286, A replaced by G.
Protein change: p.Gln429Arg; replaces glutamine 429 with arginine.
Molecular consequence: missense variant.
Genome position (GRCh38, 1-based): chr5:177,513,027, T>C on the plus strand (A>G on the coding strand, the complement: DDX41 is on the minus strand). VCF-style: chr5-177513027-T-C. GRCh37 (hg19) VCF-style: chr5-176940028-T-C.
Other names: c.908A>G, p.Gln303Arg (NM_001321732.2, NM_001321830.2); short protein forms Q303R, Q429R.
Identifiers: ClinVar variation 3839082 (VCV003839082.1).

ClinVar aggregate classification (germline): Uncertain significance (1 of 4 stars; one submission).

Conditions:
Inborn genetic diseases. Identifiers: MedGen C0950123, MeSH D030342.

Submission:

Ambry Genetics
Classification: Uncertain significance for Inborn genetic diseases. Last evaluated: 2025-03-14. Review status: criteria provided, single submitter. Criteria: Ambry Variant Classification Scheme 2023. Collection method: clinical testing. Allele origin: germline.
Comment: The p.Q429R variant (also known as c.1286A>G), located in coding exon 12 of the DDX41 gene, results from an A to G substitution at nucleotide position 1286. The glutamine at codon 429 is replaced by arginine, an amino acid with highly similar properties. This amino acid position is conserved. In addition, this alteration is predicted to be deleterious by in silico analysis. Based on the available evidence, the clinical significance of this variant remains unclear.